The following is an entry in ClinVar:

NM_001358530.2(MOCS1):c.218G>A (p.Arg73Gln)

Gene: MOCS1 (molybdenum cofactor synthesis 1; minus strand). Cytogenetic location: 6p21.2.
Variant type: single nucleotide variant.
Coding change: c.218G>A on transcript NM_001358530.2 (MANE Select); coding-DNA position 218, G replaced by A.
Protein change: p.Arg73Gln; replaces arginine 73 with glutamine.
Molecular consequence: missense variant. On other transcripts: 5 prime UTR variant (1), intron variant (2).
Genome position (GRCh38, 1-based): chr6:39,927,361, C>T on the plus strand (G>A on the coding strand, the complement: MOCS1 is on the minus strand). VCF-style: chr6-39927361-C-T. GRCh37 (hg19) VCF-style: chr6-39895100-C-T.
Other names: c.218G>A, p.Arg73Gln (NM_001075098.4, NM_001358529.2, NM_005943.6); c.-44G>A (NM_001358534.2); c.-11-1516G>A (NM_001358531.2, NM_001358533.2); short protein forms R73Q.
Identifiers: ClinVar variation 1402887 (VCV001402887.7), dbSNP rs757729598, ClinGen allele CA137655353.

ClinVar aggregate classification (germline): Conflicting classifications of pathogenicity. Review status: criteria provided, conflicting classifications (1 of 4 stars). 2 submissions from 2 submitters: Likely pathogenic (1); Uncertain significance (1). Last evaluated 2026-01-12.

Conditions:
Sulfite oxidase deficiency due to molybdenum cofactor deficiency type A. Also called: Molybdenum cofactor deficiency, complementation group A; Molybdenum Cofactor Deficiency A. Identifiers: Orphanet 308386, Orphanet 833, MedGen C1854988, MONDO:0009643, OMIM 252150.

Allele frequency attached by ClinVar (database versions not stated): TOPMed 0.00001; gnomAD exomes 0.00002 and 0.00001; gnomAD 0.00004 and 0.00003.

Submissions (2):

Dasa
Classification: Likely pathogenic. Last evaluated: 2026-01-12. Review status: criteria provided, single submitter. Criteria: DASA Assertion Criteria. Collection method: clinical testing. Allele origin: germline.
Comment: NM_001358530.2(MOCS1):c.218G>A (p.Arg73Gln) is a missense variant that results in the substitution of arginine with glutamine. The affected residue or protein region has prior evidence supporting clinical relevance. This variant has been recurrently observed in individuals with MOCS1-related disorders (PMID: 21031595; PMID: 37789894). Also, this variant is rare in population databases. Computational evidence supports a deleterious effect. Based on the currently available evidence, this variant is classified as likely pathogenic.

Labcorp Genetics (formerly Invitae), Labcorp
Classification: Uncertain significance for Sulfite oxidase deficiency due to molybdenum cofactor deficiency type A. Last evaluated: 2021-08-14. Review status: criteria provided, single submitter. Criteria: Invitae Variant Classification Sherloc (09022015). Collection method: clinical testing. Allele origin: germline.
Comment: This sequence change replaces arginine with glutamine at codon 73 of the MOCS1 protein (p.Arg73Gln). The arginine residue is highly conserved and there is a small physicochemical difference between arginine and glutamine. This variant is not present in population databases (ExAC no frequency). This variant has been observed in individual(s) with clinical features of molybdenum cofactor deficiency (PMID: 21031595). Algorithms developed to predict the effect of missense changes on protein structure and function (SIFT, PolyPhen-2, Align-GVGD) all suggest that this variant is likely to be disruptive. This variant disrupts the p.Arg73 amino acid residue in MOCS1. Other variant(s) that disrupt this residue have been determined to be pathogenic (PMID: 9921896, 20573177; Invitae). This suggests that this residue is clinically significant, and that variants that disrupt this residue are likely to be disease-causing. In summary, the available evidence is currently insufficient to determine the role of this variant in disease. Therefore, it has been classified as a Variant of Uncertain Significance.

Literature cited by the submitters: PubMed 21031595 (cited by Dasa and Labcorp Genetics (formerly Invitae), Labcorp); PubMed 37789894 (cited by Dasa); PubMed 9921896 (cited by Dasa and Labcorp Genetics (formerly Invitae), Labcorp); PubMed 20573177 (cited by Labcorp Genetics (formerly Invitae), Labcorp).